The following is an entry in ClinVar:

ClinVar aggregate classification (germline): Uncertain significance. Review status: criteria provided, multiple submitters, no conflicts (2 of 4 stars). 2 submissions from 2 submitters: Uncertain significance (2). Last evaluated 2021-10-28.

Conditions:
Glycogen storage disease, type II (IOPD). Also called: Pompe Disease; CARDIOMEGALIA GLYCOGENICA DIFFUSA; GLYCOGENOSIS, GENERALIZED, CARDIAC FORM; GSD II; Glycogen storage disease type 2; Acid maltase deficiency disease. Identifiers: Orphanet 365, MedGen C0017921, MONDO:0009290, OMIM 232300.

gnomAD v4.1: 2 of 1,613,278 alleles (0.00012%); highest among the groups gnomAD compares: Non-Finnish European, 0.00017%; no homozygotes.

Submissions (2):

Labcorp Genetics (formerly Invitae), Labcorp
Classification: Uncertain significance for Glycogen storage disease, type II. Last evaluated: 2021-10-28. Review status: criteria provided, single submitter. Criteria: Invitae Variant Classification Sherloc (09022015). Collection method: clinical testing. Allele origin: germline.
Comment: In summary, the available evidence is currently insufficient to determine the role of this variant in disease. Therefore, it has been classified as a Variant of Uncertain Significance. Advanced modeling of protein sequence and biophysical properties (such as structural, functional, and spatial information, amino acid conservation, physicochemical variation, residue mobility, and thermodynamic stability) performed at Invitae indicates that this missense variant is not expected to disrupt GAA protein function. ClinVar contains an entry for this variant (Variation ID: 391853). This variant has not been reported in the literature in individuals affected with GAA-related conditions. This variant is not present in population databases (gnomAD no frequency). This sequence change replaces serine, which is neutral and polar, with cysteine, which is neutral and slightly polar, at codon 20 of the GAA protein (p.Ser20Cys).

GeneDx
Classification: Uncertain significance. Last evaluated: 2017-01-09. Review status: criteria provided, single submitter. Criteria: GeneDx Variant Classification (06012015). Collection method: clinical testing. Allele origin: germline. Affected: yes.
Comment: The S20C variant in the GAA gene has not been reported previously as a pathogenic variant, nor as a benign variant, to our knowledge. The S20C variant was not observed in approximately 6,500 individuals of European and African American ancestry in the NHLBI Exome Sequencing Project, indicating it is not a common benign variant in these populations. The S20C variant is a non-conservative amino acid substitution, which is likely to impact secondary protein structure as these residues differ in polarity, charge, size and/or other properties. This substitution occurs at a position that is not conserved. In silico analysis predicts this variant likely does not alter the protein structure/function. We interpret S20C as a variant of uncertain significance.

NM_000152.5(GAA):c.59C>G (p.Ser20Cys)

Gene: GAA (alpha glucosidase; plus strand). Cytogenetic location: 17q25.3.
Variant type: single nucleotide variant.
Coding change: c.59C>G on transcript NM_000152.5 (MANE Select); coding-DNA position 59, C replaced by G.
Protein change: p.Ser20Cys; replaces serine 20 with cysteine.
Molecular consequence: missense variant.
Genome position (GRCh38, 1-based): chr17:80,104,645, C>G. VCF-style: chr17-80104645-C-G. GRCh37 (hg19) VCF-style: chr17-78078444-C-G.
Other names: c.59C>G, p.Ser20Cys (NM_001079803.3, NM_001079804.3); c.59C>G (LRG_673t1); short protein forms S20C.
Identifiers: ClinVar variation 391853 (VCV000391853.8), dbSNP rs752449306, ClinGen allele CA16607527.
Genomic context (GRCh38, chr17:80,104,645, plus strand): 5'-CCATGGGAGTGAGGCACCCGCCCTGCTCCCACCGGCTCCTGGCCGTCTGCGCCCTCGTGT[C>G]CTTGGCAACCGCTGCACTCCTGGGGCACATCCTACTCCATGATTTCCTGCTGGTTCCCCG-3'
Protein context (NP_000143.2, residues 10-30): HRLLAVCALV[Ser20Cys]LATAALLGHI